The following is an entry in ClinVar:

ClinVar aggregate classification (germline): Uncertain significance (1 of 4 stars; one submission).

Conditions:
Aortic aneurysm, familial thoracic 4 (AAT4). Also called: AORTIC ANEURYSM/AORTIC DISSECTION AND PATENT DUCTUS ARTERIOSUS. Identifiers: MedGen C1851504, MONDO:0007568, OMIM 132900.

Allele frequency attached by ClinVar (database versions not stated): gnomAD exomes below 0.00001.
gnomAD v4.1: 1 of 1,614,116 alleles (0.000062%); highest among the groups gnomAD compares: Admixed American, 0.0017%; no homozygotes.

Submission:

Labcorp Genetics (formerly Invitae), Labcorp
Classification: Uncertain significance for Aortic aneurysm, familial thoracic 4. Last evaluated: 2016-03-27. Review status: criteria provided, single submitter. Criteria: Invitae Variant Classification Sherloc (09022015). Collection method: clinical testing. Allele origin: germline.
Comment: This sequence change replaces isoleucine with valine at codon 483 of the MYH11 protein (p.Ile483Val). The isoleucine residue is highly conserved and there is a small physicochemical difference between isoleucine and valine. This variant is not present in population databases (ExAC no frequency) and has not been reported in the literature in individuals with a MYH11-related disease. Algorithms developed to predict the effect of missense changes on protein structure and function do not agree on the potential impact of this missense change (SIFT: "Deleterious"; PolyPhen-2: "Benign"; Align-GVGD: "Class C0"). In summary, this variant is a novel missense change with uncertain impact on protein function. It has been classified as a Variant of Uncertain Significance.

NM_002474.3(MYH11):c.1426A>G (p.Ile476Val)

Gene: MYH11 (myosin heavy chain 11; minus strand). Cytogenetic location: 16p13.11.
Variant type: single nucleotide variant.
Coding change: c.1426A>G on transcript NM_002474.3 (MANE Select); coding-DNA position 1426, A replaced by G.
Protein change: p.Ile476Val; replaces isoleucine 476 with valine.
Molecular consequence: missense variant.
Genome position (GRCh38, 1-based): chr16:15,757,976, T>C on the plus strand (A>G on the coding strand, the complement: MYH11 is on the minus strand). VCF-style: chr16-15757976-T-C. GRCh37 (hg19) VCF-style: chr16-15851833-T-C.
Other names: c.1447A>G, p.Ile483Val (NM_001040113.2, NM_001040114.2); c.1426A>G, p.Ile476Val (NM_022844.3); short protein forms I483V, I476V.
Identifiers: ClinVar variation 238256 (VCV000238256.8), dbSNP rs878854163, ClinGen allele CA10583277.